The following is an entry in ClinVar:

ClinVar aggregate classification (germline): Uncertain significance (1 of 4 stars; one submission).

Submission:

Labcorp Genetics (formerly Invitae), Labcorp
Classification: Uncertain significance. Last evaluated: 2021-10-25. Review status: criteria provided, single submitter. Criteria: Invitae Variant Classification Sherloc (09022015). Collection method: clinical testing. Allele origin: germline.
Comment: In summary, the available evidence is currently insufficient to determine the role of this variant in disease. Therefore, it has been classified as a Variant of Uncertain Significance. Advanced modeling of protein sequence and biophysical properties (such as structural, functional, and spatial information, amino acid conservation, physicochemical variation, residue mobility, and thermodynamic stability) performed at Invitae indicates that this missense variant is not expected to disrupt EBF3 protein function. This variant has not been reported in the literature in individuals affected with EBF3-related conditions. This variant is not present in population databases (ExAC no frequency). This sequence change replaces leucine with proline at codon 416 of the EBF3 protein (p.Leu416Pro). The leucine residue is moderately conserved and there is a moderate physicochemical difference between leucine and proline.

NM_001375380.1(EBF3):c.1274T>C (p.Leu425Pro)

Gene: EBF3 (EBF transcription factor 3; minus strand). Cytogenetic location: 10q26.3.
Variant type: single nucleotide variant.
Coding change: c.1274T>C on transcript NM_001375380.1 (MANE Select); coding-DNA position 1274, T replaced by C.
Protein change: p.Leu425Pro; replaces leucine 425 with proline.
Molecular consequence: missense variant.
Genome position (GRCh38, 1-based): chr10:129,842,214, A>G on the plus strand (T>C on the coding strand, the complement: EBF3 is on the minus strand). VCF-style: chr10-129842214-A-G. GRCh37 (hg19) VCF-style: chr10-131640478-A-G.
Other names: c.1247T>C, p.Leu416Pro (NM_001005463.3, NM_001375390.1, NM_001375392.1); c.1274T>C, p.Leu425Pro (NM_001375379.1, NM_001375389.1, NM_001375391.1); short protein forms L416P, L425P.
Identifiers: ClinVar variation 1389412 (VCV001389412.6), dbSNP rs2133952264, ClinGen allele CA378720353.